The following is an entry in ClinVar:

NM_000051.4(ATM):c.5167del (p.Leu1722_Val1723insTer)

Gene: ATM (ATM serine/threonine kinase; plus strand). Cytogenetic location: 11q22.3.
Variant type: Deletion.
Coding change: c.5167del on transcript NM_000051.4 (MANE Select); coding-DNA position 5167, one base deleted (G; older notation c.5167delG).
Protein change: p.Leu1722_Val1723insTer.
Molecular consequence: nonsense.
Genome position (GRCh38, 1-based): chr11:108,299,875, G deleted; the last of 2 consecutive G bases (chr11:108,299,874-108,299,875); deleting either gives the same sequence. VCF-style (leftmost placement, unchanged base first): chr11-108299873-TG-T. GRCh37 (hg19) VCF-style: chr11-108170600-TG-T.
Other names: c.5167del, p.Leu1722_Val1723insTer (NM_001351834.2).
Identifiers: ClinVar variation 1420404 (VCV001420404.6), dbSNP rs2135893101, ClinGen allele CA2573146486.

ClinVar aggregate classification (germline): Pathogenic (1 of 4 stars; one submission).

Conditions:
Ataxia-telangiectasia syndrome (AT). Also called: Ataxia telangiectasia (A-T); LOUIS-BAR SYNDROME; Cerebello-oculocutaneous telangiectasia; Immunodeficiency with ataxia telangiectasia; AT, COMPLEMENTATION GROUP C; Ataxia-telangiectasia, complementation group D. Identifiers: Orphanet 100, MedGen C0004135, MONDO:0008840, OMIM 208900.

Submission:

Labcorp Genetics (formerly Invitae), Labcorp
Classification: Pathogenic for Ataxia-telangiectasia syndrome. Last evaluated: 2021-04-18. Review status: criteria provided, single submitter. Criteria: Invitae Variant Classification Sherloc (09022015). Collection method: clinical testing. Allele origin: germline.
Comment: For these reasons, this variant has been classified as Pathogenic. This variant has not been reported in the literature in individuals with ATM-related conditions. This variant is not present in population databases (ExAC no frequency). This sequence change creates a premature translational stop signal (p.Val1723*) in the ATM gene. It is expected to result in an absent or disrupted protein product. Loss-of-function variants in ATM are known to be pathogenic (PMID: 23807571, 25614872).

Literature cited by the submitters: PubMed 23807571; PubMed 25614872.